The following is an entry in ClinVar:

ClinVar aggregate classification (germline): Uncertain significance. Review status: criteria provided, multiple submitters, no conflicts (2 of 4 stars). 3 submissions from 3 submitters: Uncertain significance (2). 1 of the submissions does not count toward it. Last evaluated 2018-06-20.

Conditions:
Athabaskan severe combined immunodeficiency (SCIDA). Also called: Severe combined immunodeficiency, athabascan-type. Identifiers: MedGen C1865370.
Severe combined immunodeficiency due to DCLRE1C deficiency (RS-SCID). Also called: SCID, AUTOSOMAL RECESSIVE, T CELL-NEGATIVE, B CELL-NEGATIVE, NK CELL-POSITIVE, WITH SENSITIVITY TO IONIZING RADIATION. Identifiers: Orphanet 275, MedGen C1865371, MONDO:0011225, OMIM 602450.

Submissions (3):

Labcorp Genetics (formerly Invitae), Labcorp
Classification: Uncertain significance for Athabaskan severe combined immunodeficiency. Last evaluated: 2018-06-20. Review status: criteria provided, single submitter. Criteria: Invitae Variant Classification Sherloc (09022015). Collection method: clinical testing. Allele origin: germline.
Comment: This sequence change results in a premature translational stop signal in the DCLRE1C gene (p.Tyr671*). While this is not anticipated to result in nonsense mediated decay, it is expected to disrupt the last 22 amino acids of the DCLRE1C protein. This variant is not present in population databases (ExAC no frequency). This variant has not been reported in the literature in individuals with DCLRE1C-related disease. In summary, the available evidence is currently insufficient to determine the role of this variant in disease. Therefore, it has been classified as a Variant of Uncertain Significance.

Breakthrough Genomics
Classification: Uncertain significance. Review status: criteria provided, single submitter. Criteria: ACMG Guidelines, 2015. Collection method: not provided. Allele origin: germline. Inheritance: Autosomal recessive inheritance. Affected: yes.

Natera, Inc.
Classification: Uncertain significance for Athabascan severe combined immunodeficiency. Last evaluated: 2020-07-26. Review status: no assertion criteria provided. Collection method: clinical testing. Allele origin: germline. Not counted in ClinVar's aggregate classification.

NM_001033855.3(DCLRE1C):c.2012_2013del (p.Leu670_Tyr671insTer)

Gene: DCLRE1C (DNA cross-link repair 1C; minus strand). Cytogenetic location: 10p13.
Variant type: Microsatellite.
Coding change: c.2012_2013del on transcript NM_001033855.3 (MANE Select); coding-DNA positions 2012 to 2013, 2 bases deleted (AT; older notation c.2012_2013delAT).
Protein change: p.Leu670_Tyr671insTer.
Molecular consequence: nonsense. On other transcripts: non-coding transcript variant (3), intron variant (3).
Genome position (GRCh38, 1-based): chr10:14,908,474-14,908,475, AT deleted on the plus strand (AT on the coding strand, the reverse complement: DCLRE1C is on the minus strand); deleting any 2 consecutive bases within chr10:14,908,474-14,908,478 gives the same sequence; the c. name uses the placement nearest the transcript's 3' end. VCF-style (leftmost placement, unchanged base first): chr10-14908473-CAT-C. GRCh37 (hg19) VCF-style: chr10-14950472-CAT-C.
Other names: c.1652_1653del, p.Leu550_Tyr551insTer (NM_001033857.3, NM_001033858.3, NM_001289077.2 and 1 more transcripts); c.1667_1668del, p.Leu555_Tyr556insTer (NM_001289076.2, NM_001289078.2, NM_022487.4); c.1437+230_1437+231del (NM_001350966.2); c.1782+230_1782+231del (NM_001350965.2); c.1422+230_1422+231del (NM_001350967.2).
Identifiers: ClinVar variation 571897 (VCV000571897.6), dbSNP rs1564361862, ClinGen allele CA891843426.